The following continues an entry in ClinVar:

NM_000492.4(CFTR):c.3209G>A (p.Arg1070Gln)

ClinVar aggregate classification (germline): drug response. drug response (1).

Submissions 8 to 15 of 33:

Women's Health and Genetics/Laboratory Corporation of America, LabCorp
Classification: Likely pathogenic for Cystic fibrosis. Last evaluated: 2025-09-02. Review status: criteria provided, single submitter. Criteria: LabCorp Variant Classification Summary - May 2015. Collection method: clinical testing. Allele origin: germline. Not counted in ClinVar's aggregate classification.
Comment: Variant summary: CFTR c.3209G>A (p.Arg1070Gln) results in a conservative amino acid change located in the ABC transporter type 1, transmembrane domain (IPR011527) of the encoded protein sequence. Algorithms developed to predict the effect of missense changes on protein structure and function are either unavailable or do not agree on the potential impact of this missense change. The variant allele was found at a frequency of 0.00061 in 251348 control chromosomes in the gnomAD database, including 3 homozygotes. This frequency is not significantly higher than estimated for disease-causing variants in CFTR, allowing no conclusion about variant significance. c.3209G>A has been observed in multiple individuals affected with classic CF, non-classic CF, or CBAVD and in several patients it was observed in cis with p.S466X forming a complex allele (example, Krasnov_2008, Mercier_1994, Kanavakis_1005, Savov_1994, Tzetis_2007, Feldmann_2003, Sosnay_2013, Furlan_2016, Lucarelli_2015, Palermo_2016, Behar_2017, Ivanov_2018, Salvatore_2019, Frentescu_2008, Noni_2023, Moiceanu_2024). Available patient data suggests that in compound heterozygotes, this variant typically results in mild disease such as CF/NC and/or CBAVD, while in cis with p.S466X variant, it causes classic CF (Krasnov_2008). However, the variant has also been reported in trans with F508del in a CF patient with sweat chloride levels >60 mmol/L (without p.S466X in cis; Noni_2023). Although this variant is able to mature and reach the cell surface and was found to have no significant effect on chloride transport, it was found to cause relatively subtle channel defects with functional consequences of a lower open probability of the channel, lower cyclic AMP-stimulated iodide efflux, and lower bicarbonate transport (Seibert_1996, Krasnov_2008, Sosnay_2013, Choi_2001). In these studies, maturation assays were performed on HEK-293, MDCK and COS cells, and channel function and channel transport assays were performed on HEK293 and CHO cells. In FRT cells, however, chloride transport as well as maturation was 20.5% of normal but increased to 32.9% of normal after Ivacaftor treatment (Van Goor_2014) and 42.64% of normal chloride channel conductance relative to wild type (Bihler_2024). These functional differences might be due to the use of different cell lines in different studies and technical backgrounds; however, all of these studies are suggestive of a mild functional impairment for the variant in isolation. A different variant affecting the same codon has been classified as pathogenic by our lab (c.3208C>T, p.Arg1070Trp), supporting the critical relevance of codon 1070 to CFTR protein function. However, due to the varying and typically mild disease phenotypes in individuals with this variant, as well as the allele frequency and presence of homozygotes in the gnomAD database, this variant likely represents a hypomorphic allele. The following publications have been ascertained in the context of this evaluation (PMID: 28546993, 38388235, 12007216, 11242048, 12955726, 18467194, 27209008, 26014425, 30930780, 29504914, 7544320, 15880796, 18951463, 25910067, 7529319, 39502765, 19707853, 36272381, 27171515, 39532587, 30561903, 7512860, 16049310, 8662892, 23974870, 25087612, 1284534, 17489851, 23891399). ClinVar contains an entry for this variant (Variation ID: 35866). Based on the evidence outlined above, the variant was classified as likely pathogenic.

First Genomix Gene Laboratory, Genetic Diagnostics Department
Classification: Pathogenic for Congenital bilateral aplasia of vas deferens from CFTR mutation; Cystic fibrosis. Last evaluated: 2025-04-14. Review status: criteria provided, single submitter. Criteria: ACMG Guidelines, 2015. Collection method: clinical testing. Allele origin: germline. Inheritance: Autosomal recessive inheritance. Affected: no. Observed: 1 variant allele. Not counted in ClinVar's aggregate classification.

NHS Central & South Genomic Laboratory Hub
Classification: Pathogenic for Respiratory ciliopathies including non-CF bronchiectasis. Last evaluated: 2025-04-09. Review status: criteria provided, single submitter. Criteria: ACMG Guidelines, 2015. Collection method: clinical testing. Allele origin: germline. Affected: yes. Not counted in ClinVar's aggregate classification.

Ambry Genetics
Classification: Pathogenic for Cystic fibrosis. Last evaluated: 2025-01-12. Review status: criteria provided, single submitter. Criteria: Ambry Variant Classification Scheme 2023. Collection method: clinical testing. Allele origin: germline. Not counted in ClinVar's aggregate classification.
Comment: The p.R1070Q pathogenic mutation (also known as c.3209G>A), located in coding exon 20 of the CFTR gene, results from a G to A substitution at nucleotide position 3209. The arginine at codon 1070 is replaced by glutamine, an amino acid with highly similar properties. Functional studies have shown that this mutation does not affect protein processing (Seibert FS et al. J. Biol. Chem., 1996 Jun;271:15139-45; Sosnay PR et al. Nat. Genet., 2013 Oct;45:1160-7), but it was observed to decrease the open probability of the channel (Seibert FS et al. J. Biol. Chem., 1996 Jun;271:15139-45). This mutation has been reported as a variant of varying clinical consequence (VVCC) (Sosnay PR et al. Pediatr. Clin. North Am., 2016 08;63:585-98; The Clinical and Functional TRanslation of CFTR (CFTR2); available at CFTR2. Accessed March 30, 2018); when in trans with a second disease causing mutation may result in cystic fibrosis, CFTR-related disorders, or no phenotype (Bombieri C et al. Semin Respir Crit Care Med, 2015 Apr;36:180-93; Girardet A et al. Eur. J. Hum. Genet., 2016 Apr;24:469-78). Of note, this mutation has also been observed as part of a complex allele with p.S466* (Krasnov KV et al. Hum. Mutat., 2008 Nov;29:1364-72; Lucarelli M et al. Mol. Med., 2015 Apr;21:257-75). This amino acid position is highly conserved in available vertebrate species. In addition, this alteration is predicted to be deleterious by in silico analysis. Based on the supporting evidence, this alteration is interpreted as a disease-causing mutation.

Johns Hopkins Genomics, Johns Hopkins University
Classification: Pathogenic for Cystic fibrosis. Last evaluated: 2025-01-03. Review status: criteria provided, single submitter. Criteria: ACMG Guidelines, 2015. Collection method: clinical testing. Allele origin: germline. Not counted in ClinVar's aggregate classification.
Comment: CFTR variant associated with varying clinical consequence. See CFTR2 for phenotype information.

Genomic Medicine Center of Excellence, King Faisal Specialist Hospital and Research Centre
Classification: Likely pathogenic for Cystic fibrosis. Last evaluated: 2024-12-19. Review status: criteria provided, single submitter. Criteria: ACMG Guidelines, 2015. Collection method: clinical testing. Allele origin: germline. Not counted in ClinVar's aggregate classification.

ARUP Laboratories, Molecular Genetics and Genomics, ARUP Laboratories
Classification: Pathogenic for Cystic fibrosis; Bronchiectasis with or without elevated sweat chloride 1; Hereditary pancreatitis; Congenital bilateral aplasia of vas deferens from CFTR mutation. Last evaluated: 2024-12-16. Review status: criteria provided, single submitter. Criteria: ARUP Molecular Germline Variant Investigation Process 2024. Collection method: clinical testing. Allele origin: germline. Not counted in ClinVar's aggregate classification.
Comment: The CFTR c.3209G>A; p.Arg1070Gln variant (rs78769542; ClinVar ID: 35866) has been observed in the compound heterozygous state in patients diagnosed with cystic fibrosis with pancreatic insufficiency, or mild and atypical CFTR-related disorders, such as chronic pancreatitis and congenital absence of vas deferens (Feldmann 2003, Fretescu 2008, Krasnov 2008, Noni 2023, CFTR2 database). Although the variant has been reported in cis to the pathogenic p.Ser466Ter variant, it has also been reported in affected individuals without p.Ser466Ter in cis (Krasnov 2008). The p.Arg1070Gln variant is observed in the South Asian population at an overall frequency of 0.47% (143/30,596 alleles, 3 homozygotes) in the Genome Aggregation Database (v2.1.1). Functional characterization of the variant protein is inconclusive on the expression level of the mature protein (Cotten 1996, Seibert 1996, Sosnay 2013, Van Goor 2014) but indicates an observable decrease in anion transport activity (Choi 2001, Seibert 1996, Sosnay 2013, Van Goor 2014). Additionally, other amino acid substitutions at this codon (p.Arg1070Trp, p.Arg1070Pro) have been reported in individuals with cystic fibrosis or CFTR-related disorders and are considered disease-causing (Krasnov 2008, Sosnay 2013, CFTR2 database). Based on available information, the p.Arg1070Gln variant is classified as pathogenic, with a variable presentation of clinical phenotypes. References: CFTR2 database: Choi J et al. Aberrant CFTR-dependent HCO3- transport in mutations associated with cystic fibrosis. Nature. 2001;410(6824):94-7. PMID: 11242048. Cotten J et al. Effect of cystic fibrosis-associated mutations in the fourth intracellular loop of cystic fibrosis transmembrane conductance regulator. J Biol Chem. 1996;271(35):21279-84. PMID: 8702904. Feldmann D et al. CFTR genotypes in patients with normal or borderline sweat chloride levels. Hum Mutat. 2003;22(4):340. PMID: 12955726. Frentescu L et al. The study of cystic fibrosis transmembrane conductance regulator gene mutations in a group of patients from Romania. J Cyst Fibros. 2008 Sep;7(5):423-8. PMID: 18467194. Krasnov K et al. Localization studies of rare missense mutations in cystic fibrosis transmembrane conductance regulator (CFTR) facilitate interpretation of genotype-phenotype relationships. Hum Mutat. 2008;29(11):1364-72. PMID: 18951463. Noni M et al. Frequencies of pathogenic CFTR variants in Greek cystic fibrosis patients with allergic bronchopulmonary aspergillosis and Aspergillus fumigatus chronic colonization: A retrospective cohort study. J Mycol Med. 2023 Mar;33(1):101326. PMID: 36272381. Seibert F et al. Disease-associated mutations in the fourth cytoplasmic loop of cystic fibrosis transmembrane conductance regulator compromise biosynthetic processing and chloride channel activity. J Biol Chem. 1996;271(25):15139-45. PMID: 8662892. Sosnay PR et al. Defining the disease liability of variants in the cystic fibrosis transmembrane conductance regulator gene. Nat Genet. 2013;45(10):1160-7. PMID: 23974870. Van Goor F et al. Effect of ivacaftor on CFTR forms with missense mutations associated with defects in protein processing or function. J Cyst Fibros. 2014;13(1):29-36. PMID: 23891399.

Blueprint Genetics
Classification: Uncertain significance. Last evaluated: 2024-11-11. Review status: criteria provided, single submitter. Criteria: ACMG Guidelines, 2015. Collection method: clinical testing. Allele origin: germline. Not counted in ClinVar's aggregate classification.